The following is an entry in ClinVar:

NM_139281.3(WDR36):c.111G>T (p.Lys37Asn)

Genes: WDR36 (WD repeat domain 36; plus strand), LOC129994346 (ATAC-STARR-seq lymphoblastoid active region 22888; plus strand). Cytogenetic location: 5q22.1.
Variant type: single nucleotide variant.
Coding change: c.111G>T on transcript NM_139281.3 (MANE Select); coding-DNA position 111, G replaced by T.
Protein change: p.Lys37Asn; replaces lysine 37 with asparagine.
Molecular consequence: missense variant.
Genome position (GRCh38, 1-based): chr5:111,092,567, G>T. VCF-style: chr5-111092567-G-T. GRCh37 (hg19) VCF-style: chr5-110428265-G-T.
Other names: short protein forms K93N, K37N.
Identifiers: ClinVar variation 623421 (VCV000623421.11), dbSNP rs200337257, ClinGen allele CA3365148.
Genomic context (GRCh38, chr5:111,092,567, plus strand): 5'-CCGGGCCTTGGGACTTTTCAGCAACGACATTCCACACGTGGTGCGGTTCAGCGCGCTCAA[G>T]CGCCGGTTCTATGTAACAACCTGCGTGGGCAAGAGTTTCCACACCTATGACGTGAGTGAC-3'
Protein context (NP_644810.2, residues 27-47): IPHVVRFSAL[Lys37Asn]RRFYVTTCVG

ClinVar aggregate classification (germline): Uncertain significance. Review status: criteria provided, multiple submitters, no conflicts (2 of 4 stars). 5 submissions from 5 submitters: Uncertain significance (4). 1 of the submissions does not count toward it. Last evaluated 2025-08-22.

Conditions:
High myopia. Also called: Severe Myopia. Identifiers: MedGen C0271183, HP:0011003.
Glaucoma 1, open angle, G (GLC1G). Identifiers: MedGen C1835933, OMIM 609887, MONDO:0012357.

Allele frequency attached by ClinVar (database versions not stated): TOPMed 0.00014; ESP Exome Variant Server 0.00015; ExAC 0.00022; gnomAD exomes 0.00023 and 0.00025.
gnomAD v4.1: 400 of 1,614,208 alleles (0.025%); highest among the groups gnomAD compares: Middle Eastern, 0.13%; 2 homozygotes.

Submissions (5):

Ambry Genetics
Classification: Uncertain significance. Last evaluated: 2025-08-22. Review status: criteria provided, single submitter. Criteria: Ambry Variant Classification Scheme 2023. Collection method: clinical testing. Allele origin: germline.

Labcorp Genetics (formerly Invitae), Labcorp
Classification: Uncertain significance. Last evaluated: 2025-01-06. Review status: criteria provided, single submitter. Criteria: Invitae Variant Classification Sherloc (09022015). Collection method: clinical testing. Allele origin: germline.
Comment: This sequence change replaces lysine, which is basic and polar, with asparagine, which is neutral and polar, at codon 93 of the WDR36 protein (p.Lys93Asn). This variant is present in population databases (rs200337257, gnomAD 0.07%), and has an allele count higher than expected for a pathogenic variant. This variant has not been reported in the literature in individuals affected with WDR36-related conditions. ClinVar contains an entry for this variant (Variation ID: 623421). Invitae Evidence Modeling of protein sequence and biophysical properties (such as structural, functional, and spatial information, amino acid conservation, physicochemical variation, residue mobility, and thermodynamic stability) indicates that this missense variant is not expected to disrupt WDR36 protein function with a negative predictive value of 80%. In summary, the available evidence is currently insufficient to determine the role of this variant in disease. Therefore, it has been classified as a Variant of Uncertain Significance.

Department of Pathology and Laboratory Medicine, Sinai Health System
Classification: Uncertain significance for Glaucoma 1, open angle, G. Last evaluated: 2020-05-12. Review status: criteria provided, single submitter. Criteria: ACMG Guidelines, 2015. Collection method: research. Allele origin: germline.

Breakthrough Genomics
Classification: Uncertain significance. Review status: criteria provided, single submitter. Criteria: ACMG Guidelines, 2015. Collection method: not provided. Allele origin: germline. Inheritance: Unknown mechanism. Affected: yes.

Institute of Human Genetics, Polish Academy of Sciences
Classification: Uncertain significance for Severe Myopia. Last evaluated: 2018-12-17. Review status: no assertion criteria provided. Collection method: research. Allele origin: unknown. Affected: yes. Not counted in ClinVar's aggregate classification.